The following is an entry in ClinVar:

NM_000059.4(BRCA2):c.5677T>G (p.Cys1893Gly)

Gene: BRCA2 (BRCA2 DNA repair associated; plus strand). Cytogenetic location: 13q13.1.
Variant type: single nucleotide variant.
Coding change: c.5677T>G on transcript NM_000059.4 (MANE Select); coding-DNA position 5677, T replaced by G.
Protein change: p.Cys1893Gly; replaces cysteine 1893 with glycine.
Molecular consequence: missense variant.
Genome position (GRCh38, 1-based): chr13:32,340,032, T>G. VCF-style: chr13-32340032-T-G. GRCh37 (hg19) VCF-style: chr13-32914169-T-G.
Other names: short protein forms C1893G.
Identifiers: ClinVar variation 186838 (VCV000186838.22), dbSNP rs786203261, ClinGen allele CA022949.

ClinVar aggregate classification (germline): Conflicting classifications of pathogenicity. Review status: criteria provided, conflicting classifications (1 of 4 stars). 7 submissions from 7 submitters: Uncertain significance (4); Likely benign (1). 2 of the submissions do not count toward it. Last evaluated 2024-07-28.

Conditions:
Hereditary breast ovarian cancer syndrome. Also called: Hereditary breast and ovarian cancer; Hereditary breast and ovarian cancer syndrome; Breast and ovarian cancer; Hereditary breast and ovarian cancer syndrome (HBOC); Hereditary breast and/or ovarian cancer syndrome; BRCA1- and BRCA2-Associated Hereditary Breast and Ovarian Cancer. Identifiers: Orphanet 145, MedGen C0677776, MeSH D061325, MONDO:0003582. Disease mechanism: loss of function.
Hereditary cancer-predisposing syndrome. Also called: Hereditary Cancer Syndrome; Neoplastic Syndromes, Hereditary; Tumor predisposition; Hereditary neoplastic syndrome. Identifiers: Orphanet 140162, MedGen C0027672, MeSH D009386, MONDO:0015356.
Breast-ovarian cancer, familial, susceptibility to, 2 (BROVCA2). Also called: BRCA2 Hereditary Breast and Ovarian Cancer. Identifiers: Orphanet 145, MedGen C2675520, MONDO:0012933, OMIM 612555. Disease mechanism: loss of function.

Allele frequency attached by ClinVar (database versions not stated): gnomAD exomes 0.00001.
gnomAD v4.1: 11 of 1,613,582 alleles (0.00068%); highest among the groups gnomAD compares: Non-Finnish European, 0.00093%; no homozygotes.

Submissions (7):

Labcorp Genetics (formerly Invitae), Labcorp
Classification: Uncertain significance for Hereditary breast ovarian cancer syndrome. Last evaluated: 2024-07-28. Review status: criteria provided, single submitter. Criteria: Invitae Variant Classification Sherloc (09022015). Collection method: clinical testing. Allele origin: germline.
Comment: This sequence change replaces cysteine, which is neutral and slightly polar, with glycine, which is neutral and non-polar, at codon 1893 of the BRCA2 protein (p.Cys1893Gly). This variant is not present in population databases (gnomAD no frequency). This variant has not been reported in the literature in individuals affected with BRCA2-related conditions. ClinVar contains an entry for this variant (Variation ID: 186838). Advanced modeling of protein sequence and biophysical properties (such as structural, functional, and spatial information, amino acid conservation, physicochemical variation, residue mobility, and thermodynamic stability) performed at Invitae indicates that this missense variant is not expected to disrupt BRCA2 protein function with a negative predictive value of 95%. In summary, the available evidence is currently insufficient to determine the role of this variant in disease. Therefore, it has been classified as a Variant of Uncertain Significance.

All of Us Research Program, National Institutes of Health
Classification: Uncertain significance for Breast-ovarian cancer, familial, susceptibility to, 2. Last evaluated: 2023-12-13. Review status: criteria provided, single submitter. Criteria: ACMG Guidelines, 2015. Collection method: clinical testing. Allele origin: germline. Inheritance: Autosomal dominant inheritance. Observed: 1 variant allele, 1 heterozygote.
Comment: This missense variant replaces cysteine with glycine at codon 1893 of the BRCA2 protein. Computational prediction suggests that this variant may not impact protein structure and function (internally defined REVEL score threshold <= 0.5, PMID: 27666373). To our knowledge, functional studies have not been reported for this variant. This variant has been reported in a multifactorial analysis with co-occurrence and family history likelihood ratios for pathogenicity of 1.025 and 0.935, respectively (PMID: 31131967). This variant has not been identified in the general population by the Genome Aggregation Database (gnomAD). The available evidence is insufficient to determine the role of this variant in disease conclusively. Therefore, this variant is classified as a Variant of Uncertain Significance.

This study involves interpretation of variants in research participants for the purpose of population health screening. Participant phenotype was not available at the time of variant classification. Additional details can be found in publication PMID: 35346344, PMCID: PMC8962531

Color Diagnostics, LLC DBA Color Health
Classification: Uncertain significance for Hereditary cancer-predisposing syndrome. Last evaluated: 2023-11-09. Review status: criteria provided, single submitter. Criteria: ACMG Guidelines, 2015. Collection method: clinical testing. Allele origin: germline.
Comment: This missense variant replaces cysteine with glycine at codon 1893 of the BRCA2 protein. Computational prediction suggests that this variant may not impact protein structure and function (internally defined REVEL score threshold <= 0.5, PMID: 27666373). To our knowledge, functional studies have not been reported for this variant. This variant has been reported in a multifactorial analysis with co-occurrence and family history likelihood ratios for pathogenicity of 1.025 and 0.935, respectively (PMID: 31131967). This variant has not been identified in the general population by the Genome Aggregation Database (gnomAD). The available evidence is insufficient to determine the role of this variant in disease conclusively. Therefore, this variant is classified as a Variant of Uncertain Significance.

Ambry Genetics
Classification: Uncertain significance for Hereditary cancer-predisposing syndrome. Last evaluated: 2023-10-13. Review status: criteria provided, single submitter. Criteria: Ambry Variant Classification Scheme 2023. Collection method: clinical testing. Allele origin: germline.
Comment: The p.C1893G variant (also known as c.5677T>G), located in coding exon 10 of the BRCA2 gene, results from a T to G substitution at nucleotide position 5677. The cysteine at codon 1893 is replaced by glycine, an amino acid with highly dissimilar properties. This amino acid position is poorly conserved in available vertebrate species. In addition, this alteration is predicted to be tolerated by in silico analysis. Since supporting evidence is limited at this time, the clinical significance of this alteration remains unclear.

University of Washington Department of Laboratory Medicine, University of Washington
Classification: Likely benign for Hereditary cancer-predisposing syndrome. Last evaluated: 2023-03-23. Review status: criteria provided, single submitter. Criteria: Dines et al. (Genet Med. 2020). Collection method: curation. Allele origin: germline.
Comment: Missense variant in a coldspot region where missense variants are very unlikely to be pathogenic (PMID:31911673).

BRCA2 exon 11 coldspot. Reclassification based on statistical prior probability.

Department of Medical and Surgical Sciences, University of Bologna
Classification: Likely benign for Breast-ovarian cancer, familial, susceptibility to, 2. Last evaluated: 2023-09-01. Review status: no assertion criteria provided. Collection method: clinical testing. Allele origin: germline. Affected: yes. Not counted in ClinVar's aggregate classification.
Comment: PM2(Supporting)+BP1(Strong) according to ACMG/AMP classification guidelines specified for BRCA1 & BRCA2 (Classification Criteria V1.0.0 2023-09-08) (PMID: 38160042)

Department of Pathology and Laboratory Medicine, Sinai Health System
Classification: Uncertain significance. Review status: no assertion criteria provided. Collection method: clinical testing. Allele origin: unknown. Affected: yes. Study: The Canadian Open Genetics Repository (COGR). Not counted in ClinVar's aggregate classification.
Comment: The p.Cys1893Gly variant was not identified in the literature, nor was it identified in the dbSNP, NHLBI Exome Sequencing Project (Exome Variant Server), Exome Aggregation Consortium (ExAC), HGMD, LOVD, COSMIC, ClinVar, GeneInsight VariantWire, BIC, UMD, Breast Cancer IARC or LOVD IARC databases. The variant was found in the canSAR cell line database from the United Kingdom. The Cys1893 residue is not conserved in mammals and four out of five computational analyses (PolyPhen-2, SIFT, AlignGVGD, BLOSUM, MutationTaster) do not suggest a high likelihood of impact to the protein. However, this information is not predictive enough to rule out pathogenicity. The p.Cys1893Gly variant occurs outside of the splicing consensus sequence and 1 of 5 in silico or computational prediction software programs (SpliceSiteFinder, MaxEntScan, NNSPLICE, GeneSplicer, HumanSpliceFinder) predict a greater than 10% difference in splicing; this is not very predictive of pathogenicity. In summary, based on the above information, the clinical significance of this variant cannot be determined with certainty at this time. This variant is classified as a variant of unknown significance.

Literature cited by the submitters: PubMed 31131967 (cited by All of Us Research Program, National Institutes of Health and Color Diagnostics, LLC DBA Color Health).